The following is an entry in ClinVar:

NM_003809.3(TNFSF12):c.92C>G (p.Ala31Gly)

Genes: TNFSF12 (TNF superfamily member 12; plus strand), TNFSF12-TNFSF13 (TNFSF12-TNFSF13 readthrough; plus strand), LOC130060153 (ATAC-STARR-seq lymphoblastoid silent region 8127; plus strand). Cytogenetic location: 17p13.1.
Variant type: single nucleotide variant.
Coding change: c.92C>G on transcript NM_003809.3 (MANE Select); coding-DNA position 92, C replaced by G.
Protein change: p.Ala31Gly; replaces alanine 31 with glycine.
Molecular consequence: missense variant. On other transcripts: non-coding transcript variant (1).
Genome position (GRCh38, 1-based): chr17:7,549,245, C>G. VCF-style: chr17-7549245-C-G. GRCh37 (hg19) VCF-style: chr17-7452562-C-G.
Other names: c.92C>G, p.Ala31Gly (NM_172089.4); short protein forms A31G.
Identifiers: ClinVar variation 4797635 (VCV004797635.1).

ClinVar aggregate classification (germline): Uncertain significance (1 of 4 stars; one submission).

Conditions:
Common variable immunodeficiency (CVID). Also called: Common variable hypogamma-globulinemia; Common variable agammaglobulinemia. Identifiers: Orphanet 1572, MedGen C0009447, MONDO:0015517.

gnomAD v4.1: 3 of 1,394,252 alleles (0.00022%); highest among the groups gnomAD compares: Non-Finnish European, 0.00028%; no homozygotes.

Submission:

Labcorp Genetics (formerly Invitae), Labcorp
Classification: Uncertain significance for Common variable immunodeficiency. Last evaluated: 2025-06-27. Review status: criteria provided, single submitter. Criteria: Invitae Variant Classification Sherloc (09022015). Collection method: clinical testing. Allele origin: germline.
Comment: This sequence change replaces alanine, which is neutral and non-polar, with glycine, which is neutral and non-polar, at codon 31 of the TNFSF12 protein (p.Ala31Gly). This variant is not present in population databases (gnomAD no frequency). This variant has not been reported in the literature in individuals affected with TNFSF12-related conditions. An algorithm developed to predict the effect of missense changes on protein structure and function (PolyPhen-2) suggests that this variant is likely to be tolerated. In summary, the available evidence is currently insufficient to determine the role of this variant in disease. Therefore, it has been classified as a Variant of Uncertain Significance.